The following is an entry in ClinVar:

ClinVar aggregate classification (germline): Benign/Likely benign. Review status: criteria provided, multiple submitters, no conflicts (2 of 4 stars). 7 submissions from 7 submitters: Benign (5); Likely benign (2). Last evaluated 2026-09-01.

Conditions:
LRRK2-related disorder. Also called: LRRK2-related condition.
Autosomal dominant Parkinson disease 8. Also called: Parkinson disease 8, susceptibility to; LRRK2-Related Parkinson Disease; Parkinson disease 8. Identifiers: Orphanet 411602, MedGen C1846862, MONDO:0011764, OMIM 607060.

Allele frequency attached by ClinVar (database versions not stated): gnomAD 0.00035 and 0.00037; 1000 Genomes Project 30x 0.00078; TOPMed 0.00079; 1000 Genomes Project 0.00080.
gnomAD v4.1: 440 of 1,608,072 alleles (0.027%); highest among the groups gnomAD compares: Admixed American, 0.67%; 1 homozygote.

Submissions (7):

CeGaT Center for Human Genetics Tuebingen
Classification: Likely benign. Last evaluated: 2026-09-01. Review status: criteria provided, single submitter. Criteria: CeGaT Center For Human Genetics Tuebingen Variant Classification Criteria Version 2. Collection method: clinical testing. Allele origin: germline. Affected: yes. Observed: 4 variant alleles.
Comment: LRRK2: BP4, BS1

Labcorp Genetics (formerly Invitae), Labcorp
Classification: Benign for Autosomal dominant Parkinson disease 8. Last evaluated: 2026-01-13. Review status: criteria provided, single submitter. Criteria: Invitae Variant Classification Sherloc (09022015). Collection method: clinical testing. Allele origin: germline.

PreventionGenetics, part of Exact Sciences
Classification: Benign for LRRK2-related condition. Last evaluated: 2025-12-05. Review status: criteria provided, single submitter. Criteria: ACMG Guidelines, 2015. Collection method: clinical testing. Allele origin: germline.
Comment: This variant is classified as benign based on ACMG/AMP sequence variant interpretation guidelines (Richards et al. 2015 PMID: 25741868, with internal and published modifications).

Athena Diagnostics
Classification: Benign. Last evaluated: 2023-11-16. Review status: criteria provided, single submitter. Criteria: Athena Diagnostics Criteria. Collection method: clinical testing. Allele origin: unknown.

Fulgent Genetics
Classification: Likely benign for Autosomal dominant Parkinson disease 8. Last evaluated: 2022-04-08. Review status: criteria provided, single submitter. Criteria: ACMG Guidelines, 2015. Collection method: clinical testing. Allele origin: unknown.

GeneDx
Classification: Benign. Last evaluated: 2021-02-24. Review status: criteria provided, single submitter. Criteria: GeneDx Variant Classification Process June 2021. Collection method: clinical testing. Allele origin: germline. Affected: yes.

Breakthrough Genomics
Classification: Benign. Review status: criteria provided, single submitter. Criteria: ACMG Guidelines, 2015. Collection method: not provided. Allele origin: germline. Inheritance: Autosomal dominant inheritance. Affected: yes.

Literature cited by the submitters: PubMed 22415848 (cited by Athena Diagnostics).

NM_198578.4(LRRK2):c.7429C>T (p.Arg2477Trp)

Gene: LRRK2 (leucine rich repeat kinase 2; plus strand). Cytogenetic location: 12q12.
Variant type: single nucleotide variant.
Coding change: c.7429C>T on transcript NM_198578.4 (MANE Select); coding-DNA position 7429, C replaced by T.
Protein change: p.Arg2477Trp; replaces arginine 2477 with tryptophan.
Molecular consequence: missense variant.
Genome position (GRCh38, 1-based): chr12:40,367,044, C>T. VCF-style: chr12-40367044-C-T. GRCh37 (hg19) VCF-style: chr12-40760846-C-T.
Other names: short protein forms R2477W.
Identifiers: ClinVar variation 695315 (VCV000695315.39), dbSNP rs138780308, ClinGen allele CA6514938.